The following is an entry in ClinVar:

NM_004446.3(EPRS1):c.2927A>G (p.Asn976Ser)

Gene: EPRS1 (glutamyl-prolyl-tRNA synthetase 1; minus strand). Cytogenetic location: 1q41.
Variant type: single nucleotide variant.
Coding change: c.2927A>G on transcript NM_004446.3 (MANE Select); coding-DNA position 2927, A replaced by G.
Protein change: p.Asn976Ser; replaces asparagine 976 with serine.
Molecular consequence: missense variant.
Genome position (GRCh38, 1-based): chr1:219,987,253, T>C on the plus strand (A>G on the coding strand, the complement: EPRS1 is on the minus strand). VCF-style: chr1-219987253-T-C. GRCh37 (hg19) VCF-style: chr1-220160595-T-C.
Other names: c.2927A>G (NM_004446.2); short protein forms N976S.
Identifiers: ClinVar variation 1680913 (VCV001680913.9), dbSNP rs1661023594, ClinGen allele CA344641834.

ClinVar aggregate classification (germline): Uncertain significance. Review status: criteria provided, multiple submitters, no conflicts (2 of 4 stars). 2 submissions from 2 submitters: Uncertain significance (2). Last evaluated 2024-07-26.

Conditions:
Inborn genetic diseases. Identifiers: MedGen C0950123, MeSH D030342.

Allele frequency attached by ClinVar (database versions not stated): TOPMed 0.00001.

Submissions (2):

Ambry Genetics
Classification: Uncertain significance for Inborn genetic diseases. Last evaluated: 2024-07-26. Review status: criteria provided, single submitter. Criteria: Ambry Variant Classification Scheme 2023. Collection method: clinical testing. Allele origin: germline.

Labcorp Genetics (formerly Invitae), Labcorp
Classification: Uncertain significance. Last evaluated: 2022-02-10. Review status: criteria provided, single submitter. Criteria: Invitae Variant Classification Sherloc (09022015). Collection method: clinical testing. Allele origin: germline.
Comment: In summary, the available evidence is currently insufficient to determine the role of this variant in disease. Therefore, it has been classified as a Variant of Uncertain Significance. Algorithms developed to predict the effect of sequence changes on RNA splicing suggest that this variant may create or strengthen a splice site. Algorithms developed to predict the effect of missense changes on protein structure and function (SIFT, PolyPhen-2, Align-GVGD) all suggest that this variant is likely to be tolerated. This variant has not been reported in the literature in individuals affected with EPRS-related conditions. This variant is not present in population databases (gnomAD no frequency). This sequence change replaces asparagine, which is neutral and polar, with serine, which is neutral and polar, at codon 976 of the EPRS protein (p.Asn976Ser).